The following is an entry in ClinVar:

NM_018972.4(GDAP1):c.770G>A (p.Arg257Gln)

Gene: GDAP1 (ganglioside induced differentiation associated protein 1; plus strand). Cytogenetic location: 8q21.11.
Variant type: single nucleotide variant.
Coding change: c.770G>A on transcript NM_018972.4 (MANE Select); coding-DNA position 770, G replaced by A.
Protein change: p.Arg257Gln; replaces arginine 257 with glutamine.
Molecular consequence: missense variant. On other transcripts: intron variant (1).
Genome position (GRCh38, 1-based): chr8:74,364,060, G>A. VCF-style: chr8-74364060-G-A. GRCh37 (hg19) VCF-style: chr8-75276295-G-A.
Other names: c.566G>A, p.Arg189Gln (NM_001040875.4); c.443G>A, p.Arg148Gln (NM_001362929.2, NM_001362932.2); c.596G>A, p.Arg199Gln (NM_001362930.2); c.694+1007G>A (NM_001362931.2); short protein forms R257Q, R148Q, R189Q, R199Q.
Identifiers: ClinVar variation 467771 (VCV000467771.9), dbSNP rs1425323007, ClinGen allele CA371550156.

ClinVar aggregate classification (germline): Uncertain significance (1 of 4 stars; one submission).

Conditions:
Charcot-Marie-Tooth disease type 4A. Also called: Charcot-Marie-Tooth disease, demyelinating, autosomal recessive, type 4a. Identifiers: Orphanet 99948, MedGen C1859198, MONDO:0008961, OMIM 214400.

Allele frequency attached by ClinVar (database versions not stated): gnomAD exomes below 0.00001; TOPMed below 0.00001; gnomAD 0.00001.
gnomAD v4.1: 6 of 1,613,952 alleles (0.00037%); highest among the groups gnomAD compares: Middle Eastern, 0.016%; no homozygotes.

Submission:

Labcorp Genetics (formerly Invitae), Labcorp
Classification: Uncertain significance for Charcot-Marie-Tooth disease type 4A. Last evaluated: 2024-10-24. Review status: criteria provided, single submitter. Criteria: Invitae Variant Classification Sherloc (09022015). Collection method: clinical testing. Allele origin: germline.
Comment: This sequence change replaces arginine, which is basic and polar, with glutamine, which is neutral and polar, at codon 257 of the GDAP1 protein (p.Arg257Gln). This variant is present in population databases (no rsID available, gnomAD 0.0009%). This variant has not been reported in the literature in individuals affected with GDAP1-related conditions. ClinVar contains an entry for this variant (Variation ID: 467771). Invitae Evidence Modeling of protein sequence and biophysical properties (such as structural, functional, and spatial information, amino acid conservation, physicochemical variation, residue mobility, and thermodynamic stability) has been performed for this missense variant. However, the output from this modeling did not meet the statistical confidence thresholds required to predict the impact of this variant on GDAP1 protein function. In summary, the available evidence is currently insufficient to determine the role of this variant in disease. Therefore, it has been classified as a Variant of Uncertain Significance.